The following is an entry in ClinVar:

ClinVar aggregate classification (germline): Pathogenic (1 of 4 stars; one submission).

Submission:

ISCA site 14
Classification: Pathogenic. Last evaluated: 2011-08-12. Review status: criteria provided, single submitter. Criteria: Kaminsky et al. (Genet Med. 2011). Collection method: clinical testing. Allele origin: unknown. Affected: yes. Observed: 1 variant allele.
Comment: Copy number variation identified through the course of routine clinical cytogenomic testing in postnatal populations. Clinical assertions have been curated as described in Kaminsky et al. 2011.

GRCh38/hg38 5q35.2-35.3(chr5:176043476-177995759)x1

Genes: MIR1271 (microRNA 1271; plus strand), MIR4281 (microRNA 4281; minus strand), MXD3 (MAX dimerization protein 3; minus strand), NOP16 (NOP16 nucleolar protein; minus strand), NSD1 (nuclear receptor binding SET domain protein 1; plus strand) and 144 more. Cytogenetic location: 5q35.2-35.3.
Variant type: copy number loss.
Change: copy number 1 (one copy instead of two) of chr5:176,043,476-177,995,759 (1.95 Mb, GRCh38 coordinates, 1-based), cytogenetic band 5q35.2-35.3.
Identifiers: ClinVar variation 59300 (VCV000059300.1).